The following is an entry in ClinVar:

ClinVar aggregate classification (germline): Uncertain significance (0 of 4 stars; one submission).

Allele frequency attached by ClinVar (database versions not stated): gnomAD exomes below 0.00001.
gnomAD v4.1: 1 of 1,614,188 alleles (0.000062%); highest among the groups gnomAD compares: Non-Finnish European, 0.000085%; no homozygotes.

Submission:

Genetic Services Laboratory, University of Chicago
Classification: Uncertain significance. Last evaluated: 2022-05-17. Review status: no assertion criteria provided. Collection method: clinical testing. Allele origin: germline. Affected: no.
Comment: DNA sequence analysis of the BLM gene demonstrated a sequence change, c.2991T>A, in exon 15 that results in an amino acid change, p.Asp997Glu. This sequence change does not appear to have been previously described in individuals with BLM-related disorders and has also not been described in population databases such as ExAC and gnomAD. The p.Asp997Glu change affects a highly conserved amino acid residue located in a domain of the BLM protein that is known to be functional. In-silico pathogenicity prediction tools (SIFT, PolyPhen2, Align GVGD, REVEL) provide contradictory results for the p.Asp997Glu substitution. Due to insufficient evidences and the lack of functional studies, the clinical significance of the p.Asp997Glu change remains unknown at this time.

NM_000057.4(BLM):c.2991T>A (p.Asp997Glu)

Gene: BLM (BLM RecQ like helicase; plus strand). Cytogenetic location: 15q26.1.
Variant type: single nucleotide variant.
Coding change: c.2991T>A on transcript NM_000057.4 (MANE Select); coding-DNA position 2991, T replaced by A.
Protein change: p.Asp997Glu; replaces aspartic acid 997 with glutamic acid.
Molecular consequence: missense variant.
Genome position (GRCh38, 1-based): chr15:90,790,816, T>A. VCF-style: chr15-90790816-T-A. GRCh37 (hg19) VCF-style: chr15-91334046-T-A.
Other names: c.2991T>A, p.Asp997Glu (NM_001287246.2, NM_001287247.2); c.1866T>A, p.Asp622Glu (NM_001287248.2); short protein forms D622E, D997E.
Identifiers: ClinVar variation 2443083 (VCV002443083.2), dbSNP rs2505516997, ClinGen allele CA393846570.